The following is an entry in ClinVar:

NM_000038.6(APC):c.6344T>C (p.Leu2115Ser)

Gene: APC (APC regulator of Wnt signaling pathway; plus strand). Cytogenetic location: 5q22.2.
Variant type: single nucleotide variant.
Coding change: c.6344T>C on transcript NM_000038.6 (MANE Select); coding-DNA position 6344, T replaced by C.
Protein change: p.Leu2115Ser; replaces leucine 2115 with serine.
Molecular consequence: missense variant. On other transcripts: non-coding transcript variant (2).
Genome position (GRCh38, 1-based): chr5:112,841,938, T>C. VCF-style: chr5-112841938-T-C. GRCh37 (hg19) VCF-style: chr5-112177635-T-C.
Other names: c.6344T>C, p.Leu2115Ser (NM_001127510.3, NM_001354895.2, NM_001407450.1); c.6290T>C, p.Leu2097Ser (NM_001127511.3); c.6398T>C, p.Leu2133Ser (NM_001354896.2, NM_001407447.1, NM_001407448.1 and 1 more transcripts); c.6374T>C, p.Leu2125Ser (NM_001354897.2); c.6269T>C, p.Leu2090Ser (NM_001354898.2); c.6260T>C, p.Leu2087Ser (NM_001354899.2); c.6221T>C, p.Leu2074Ser (NM_001354900.2); c.6167T>C, p.Leu2056Ser (NM_001354901.2, NM_001407453.1); and 11 more; short protein forms L1832S, L1986S, L2014S, L2090S, L2097S, L2105S, L2125S, L1989S.
Identifiers: ClinVar variation 2605399 (VCV002605399.2), dbSNP rs876659022, ClinGen allele CA16035227.

ClinVar aggregate classification (germline): Uncertain significance (1 of 4 stars; one submission).

Conditions:
Hereditary cancer-predisposing syndrome. Also called: Tumor predisposition; Hereditary Cancer Syndrome; Hereditary neoplastic syndrome; Neoplastic Syndromes, Hereditary. Identifiers: Orphanet 140162, MedGen C0027672, MeSH D009386, MONDO:0015356.

Submission:

Ambry Genetics
Classification: Uncertain significance for Hereditary cancer-predisposing syndrome. Last evaluated: 2023-07-09. Review status: criteria provided, single submitter. Criteria: Ambry Variant Classification Scheme 2023. Collection method: clinical testing. Allele origin: germline.
Comment: The p.L2115S variant (also known as c.6344T>C), located in coding exon 15 of the APC gene, results from a T to C substitution at nucleotide position 6344. The leucine at codon 2115 is replaced by serine, an amino acid with dissimilar properties. This amino acid position is conserved. In addition, in silico predictors for this gene do not accurately predict pathogenicity. Since supporting evidence is limited at this time, the clinical significance of this alteration remains unclear.